The following is an entry in ClinVar:

ClinVar aggregate classification (germline): Uncertain significance (1 of 4 stars; one submission).

Submission:

Labcorp Genetics (formerly Invitae), Labcorp
Classification: Uncertain significance. Last evaluated: 2025-10-14. Review status: criteria provided, single submitter. Criteria: Invitae Variant Classification Sherloc (09022015). Collection method: clinical testing. Allele origin: germline.
Comment: This sequence change replaces glutamic acid, which is acidic and polar, with aspartic acid, which is acidic and polar, at codon 345 of the UNC80 protein (p.Glu345Asp). This variant is not present in population databases (gnomAD no frequency). This variant has not been reported in the literature in individuals affected with UNC80-related conditions. ClinVar contains an entry for this variant (Variation ID: 2092330). An algorithm developed to predict the effect of missense changes on protein structure and function (PolyPhen-2) suggests that this variant is likely to be disruptive. In summary, the available evidence is currently insufficient to determine the role of this variant in disease. Therefore, it has been classified as a Variant of Uncertain Significance.

NM_001371986.1(UNC80):c.1035G>C (p.Glu345Asp)

Gene: UNC80 (unc-80 subunit of NALCN channel complex; plus strand). Cytogenetic location: 2q34.
Variant type: single nucleotide variant.
Coding change: c.1035G>C on transcript NM_001371986.1 (MANE Select); coding-DNA position 1035, G replaced by C.
Protein change: p.Glu345Asp; replaces glutamic acid 345 with aspartic acid.
Molecular consequence: missense variant.
Genome position (GRCh38, 1-based): chr2:209,813,676, G>C. VCF-style: chr2-209813676-G-C. GRCh37 (hg19) VCF-style: chr2-210678400-G-C.
Other names: c.1035G>C, p.Glu345Asp (NM_032504.2, NM_182587.4); short protein forms E345D.
Identifiers: ClinVar variation 2092330 (VCV002092330.4), dbSNP rs2470957891, ClinGen allele CA350133053.